The following is an entry in ClinVar:

NM_000051.4(ATM):c.5087A>G (p.Tyr1696Cys)

Gene: ATM (ATM serine/threonine kinase; plus strand). Cytogenetic location: 11q22.3.
Variant type: single nucleotide variant.
Coding change: c.5087A>G on transcript NM_000051.4 (MANE Select); coding-DNA position 5087, A replaced by G.
Protein change: p.Tyr1696Cys; replaces tyrosine 1696 with cysteine.
Molecular consequence: missense variant.
Genome position (GRCh38, 1-based): chr11:108,299,795, A>G. VCF-style: chr11-108299795-A-G. GRCh37 (hg19) VCF-style: chr11-108170522-A-G.
Other names: c.5087A>G, p.Tyr1696Cys (NM_001351834.2); short protein forms Y1696C.
Identifiers: ClinVar variation 481355 (VCV000481355.11), dbSNP rs1555104673, ClinGen allele CA382540660.
Genomic context (GRCh38, chr11:108,299,795, plus strand): 5'-GAGAAGTGGGTCCTATAGATTTCTCTACCATAGCTATACAACATAGTAAAGATGCATCTT[A>G]TACCAAGGCCCTTAAGTTATTTGAAGATAAAGAACTTCAGTGGACCTTCATAATGCTGAC-3'
Protein context (NP_000042.3, residues 1686-1706): IAIQHSKDAS[Tyr1696Cys]TKALKLFEDK

ClinVar aggregate classification (germline): Uncertain significance. Review status: criteria provided, multiple submitters, no conflicts (2 of 4 stars). 2 submissions from 2 submitters: Uncertain significance (2). Last evaluated 2022-02-10.

Conditions:
Hereditary cancer-predisposing syndrome. Also called: Hereditary neoplastic syndrome; Neoplastic Syndromes, Hereditary; Tumor predisposition; Hereditary Cancer Syndrome. Identifiers: Orphanet 140162, MedGen C0027672, MeSH D009386, MONDO:0015356.
Ataxia-telangiectasia syndrome (AT). Also called: LOUIS-BAR SYNDROME; Cerebello-oculocutaneous telangiectasia; Immunodeficiency with ataxia telangiectasia; AT, COMPLEMENTATION GROUP C; Ataxia-telangiectasia, complementation group D; ATAXIA-TELANGIECTASIA, COMPLEMENTATION GROUP A. Identifiers: Orphanet 100, MedGen C0004135, MONDO:0008840, OMIM 208900.

Submissions (2):

Labcorp Genetics (formerly Invitae), Labcorp
Classification: Uncertain significance for Ataxia-telangiectasia syndrome. Last evaluated: 2022-02-10. Review status: criteria provided, single submitter. Criteria: Invitae Variant Classification Sherloc (09022015). Collection method: clinical testing. Allele origin: germline.
Comment: This sequence change replaces tyrosine, which is neutral and polar, with cysteine, which is neutral and slightly polar, at codon 1696 of the ATM protein (p.Tyr1696Cys). This variant is not present in population databases (gnomAD no frequency). This variant has not been reported in the literature in individuals affected with ATM-related conditions. ClinVar contains an entry for this variant (Variation ID: 481355). Advanced modeling of protein sequence and biophysical properties (such as structural, functional, and spatial information, amino acid conservation, physicochemical variation, residue mobility, and thermodynamic stability) performed at Invitae indicates that this missense variant is not expected to disrupt ATM protein function. In summary, the available evidence is currently insufficient to determine the role of this variant in disease. Therefore, it has been classified as a Variant of Uncertain Significance.

Ambry Genetics
Classification: Uncertain significance for Hereditary cancer-predisposing syndrome. Last evaluated: 2017-07-03. Review status: criteria provided, single submitter. Criteria: Ambry Variant Classification Scheme 2023. Collection method: clinical testing. Allele origin: germline.
Comment: The p.Y1696C variant (also known as c.5087A>G), located in coding exon 33 of the ATM gene, results from an A to G substitution at nucleotide position 5087. The tyrosine at codon 1696 is replaced by cysteine, an amino acid with highly dissimilar properties. This amino acid position is not well conserved in available vertebrate species. In addition, this alteration is predicted to be tolerated by in silico analysis. Since supporting evidence is limited at this time, the clinical significance of this alteration remains unclear.